The following is an entry in ClinVar:

ClinVar aggregate classification (germline): Uncertain significance (1 of 4 stars; one submission).

Submission:

CeGaT Center for Human Genetics Tuebingen
Classification: Uncertain significance. Last evaluated: 2025-01-01. Review status: criteria provided, single submitter. Criteria: CeGaT Center For Human Genetics Tuebingen Variant Classification Criteria Version 2. Collection method: clinical testing. Allele origin: germline. Affected: yes. Observed: 1 variant allele.
Comment: PDE4D: PM2:Supporting, BP4

NM_001104631.2(PDE4D):c.1866C>T (p.Ser622=)

Gene: PDE4D (phosphodiesterase 4D; minus strand). Cytogenetic location: 5q11.2.
Variant type: single nucleotide variant.
Coding change: c.1866C>T on transcript NM_001104631.2 (MANE Select); coding-DNA position 1866, C replaced by T.
Protein change: p.Ser622=; no amino-acid change (serine 622 retained).
Molecular consequence: synonymous variant.
Genome position (GRCh38, 1-based): chr5:58,975,804, G>A on the plus strand (C>T on the coding strand, the complement: PDE4D is on the minus strand). VCF-style: chr5-58975804-G-A. GRCh37 (hg19) VCF-style: chr5-58271631-G-A.
Other names: c.960C>T, p.Ser320= (NM_001364603.1, NM_001197221.2); c.1098C>T, p.Ser366= (NM_001364604.1, NM_001349243.2); c.1458C>T, p.Ser486= (NM_006203.5); c.1683C>T, p.Ser561= (NM_001165899.2, NM_001364599.1); c.1674C>T, p.Ser558= (NM_001197218.2); c.1500C>T, p.Ser500= (NM_001197219.2); c.1476C>T, p.Ser492= (NM_001197220.2); c.1194C>T, p.Ser398= (NM_001197222.2); and 3 more.
Identifiers: ClinVar variation 3771817 (VCV003771817.13).